The following is an entry in ClinVar:

NM_000238.4(KCNH2):c.1624T>C (p.Tyr542His)

Gene: KCNH2 (potassium voltage-gated channel subfamily H member 2; minus strand). Cytogenetic location: 7q36.1.
Variant type: single nucleotide variant.
Coding change: c.1624T>C on transcript NM_000238.4 (MANE Select); coding-DNA position 1624, T replaced by C.
Protein change: p.Tyr542His; replaces tyrosine 542 with histidine.
Molecular consequence: missense variant.
Genome position (GRCh38, 1-based): chr7:150,951,769, A>G on the plus strand (T>C on the coding strand, the complement: KCNH2 is on the minus strand). VCF-style: chr7-150951769-A-G. GRCh37 (hg19) VCF-style: chr7-150648857-A-G.
Other names: c.604T>C, p.Tyr202His (NM_001204798.2, NM_172057.3); c.1336T>C, p.Tyr446His (NM_001406753.1, NM_001406756.1); c.1447T>C, p.Tyr483His (NM_001406755.1); c.1324T>C, p.Tyr442His (NM_001406757.1); c.1624T>C, p.Tyr542His (NM_172056.3); short protein forms Y202H, Y542H, Y446H, Y442H, Y483H.
Identifiers: ClinVar variation 2055725 (VCV002055725.4), dbSNP rs2486039696, ClinGen allele CA369859061.
Genomic context (GRCh38, chr7:150,951,769, plus strand): 5'-GCGCGATGAGCGCAAAGGTGCACATGAGCAAGAACAGCACGGCCGCGCCGTACTCTGAGT[A>G]GCGATCCAGCTTCCGCGCCACGCGCACCAGCCGCAGCAGCCGCGCAGTCTTCAGCAGCCC-3'
Protein context (NP_000229.1, residues 532-552): LVRVARKLDR[Tyr542His]SEYGAAVLFL

ClinVar aggregate classification (germline): Likely pathogenic (1 of 4 stars; one submission).

Conditions:
Long QT syndrome (LQTS). Identifiers: MedGen C0023976, MeSH D008133, MONDO:0002442. Disease mechanism: loss of function. Inheritance: Various modes of inheritance.

Submission:

Labcorp Genetics (formerly Invitae), Labcorp
Classification: Likely pathogenic for Long QT syndrome. Last evaluated: 2022-07-18. Review status: criteria provided, single submitter. Criteria: Invitae Variant Classification Sherloc (09022015). Collection method: clinical testing. Allele origin: germline.
Comment: This variant is not present in population databases (gnomAD no frequency). This sequence change replaces tyrosine, which is neutral and polar, with histidine, which is basic and polar, at codon 542 of the KCNH2 protein (p.Tyr542His). This missense change has been observed in individual(s) with clinical features of KCNH2-related conditions (Invitae). In at least one individual the variant was observed to be de novo. Algorithms developed to predict the effect of missense changes on protein structure and function (SIFT, PolyPhen-2, Align-GVGD) all suggest that this variant is likely to be disruptive. In summary, the currently available evidence indicates that the variant is pathogenic, but additional data are needed to prove that conclusively. Therefore, this variant has been classified as Likely Pathogenic.